The following is an entry in ClinVar:

NM_012186.3(FOXE3):c.269G>A (p.Arg90His)

Genes: FOXE3 (forkhead box E3; plus strand), LINC01389 (long independently transcribed non-coding RNA 1389; minus strand). Cytogenetic location: 1p33.
Variant type: single nucleotide variant.
Coding change: c.269G>A on transcript NM_012186.3 (MANE Select); coding-DNA position 269, G replaced by A.
Protein change: p.Arg90His; replaces arginine 90 with histidine.
Molecular consequence: missense variant.
Genome position (GRCh38, 1-based): chr1:47,416,584, G>A. VCF-style: chr1-47416584-G-A. GRCh37 (hg19) VCF-style: chr1-47882256-G-A.
Other names: short protein forms R90H.
Identifiers: ClinVar variation 3516715 (VCV003516715.3).

ClinVar aggregate classification (germline): Uncertain significance. Review status: criteria provided, multiple submitters, no conflicts (2 of 4 stars). 2 submissions from 2 submitters: Uncertain significance (2). Last evaluated 2025-12-20.

Conditions:
Cardiovascular phenotype. Identifiers: MedGen CN230736.
Anterior segment dysgenesis. Also called: Ocular anterior segment dysgenesis. Identifiers: Orphanet 88632, MedGen C1862839, MONDO:0019503, HP:0007700.
Congenital primary aphakia. Also called: Anterior segment dysgenesis 2, multiple subtypes; ANTERIOR SEGMENT DYSGENESIS 2. Identifiers: Orphanet 83461, MedGen C1853230, MONDO:0012456, OMIM 610256.

Submissions (2):

Labcorp Genetics (formerly Invitae), Labcorp
Classification: Uncertain significance for Anterior segment dysgenesis; Congenital primary aphakia. Last evaluated: 2025-12-20. Review status: criteria provided, single submitter. Criteria: Invitae Variant Classification Sherloc (09022015). Collection method: clinical testing. Allele origin: germline.
Comment: This sequence change replaces arginine, which is basic and polar, with histidine, which is basic and polar, at codon 90 of the FOXE3 protein (p.Arg90His). This variant is not present in population databases (gnomAD no frequency). This variant has not been reported in the literature in individuals affected with FOXE3-related conditions. ClinVar contains an entry for this variant (Variation ID: 3516715). Invitae Evidence Modeling of protein sequence and biophysical properties (such as structural, functional, and spatial information, amino acid conservation, physicochemical variation, residue mobility, and thermodynamic stability) has been performed for this missense variant. However, the output from this modeling did not meet the statistical confidence thresholds required to predict the impact of this variant on FOXE3 protein function. In summary, the available evidence is currently insufficient to determine the role of this variant in disease. Therefore, it has been classified as a Variant of Uncertain Significance.

Ambry Genetics
Classification: Uncertain significance for Cardiovascular phenotype. Last evaluated: 2024-08-26. Review status: criteria provided, single submitter. Criteria: Ambry Variant Classification Scheme 2023. Collection method: clinical testing. Allele origin: germline.